The following is an entry in ClinVar:

ClinVar aggregate classification (germline): Pathogenic (1 of 4 stars; one submission).

Submission:

GeneDx
Classification: Pathogenic. Last evaluated: 2017-01-06. Review status: criteria provided, single submitter. Criteria: GeneDx Variant Classification (06012015). Collection method: clinical testing. Allele origin: germline. Affected: yes.
Comment: The V536F variant in the RPS6KA3 gene has not been reported previously as a pathogenic variant nor as a benign variant, to our knowledge. The V536F variant was not observed in approximately 6,500 individuals of European and African American ancestry in the NHLBI Exome Sequencing Project, indicating it is not a common benign variant in these populations. The V536F variant is a semi-conservative amino acid substitution, which may impact secondary protein structure as these residues differ in some properties. This substitution occurs at a position that is conserved across species. In silico analysis predicts this variant is probably damaging to the protein structure/function. As an alternate mechanism, multiple in silico algorithms predict that c.1606G>T (aka V536F) might increase the strength of a splice acceptor site downstream of the natural splic acceptor site of exon 18. Missense variants in nearby residues (H537L, H537R, H537Q) have been reported in the Human Gene Mutation Database in association with Coffin-Lowry syndrome (Stenson et al., 2014), supporting the functional importance of this region of the protein. We interpret V536F as a pathogenic variant.

NM_004586.3(RPS6KA3):c.1606G>T (p.Val536Phe)

Gene: RPS6KA3 (ribosomal protein S6 kinase A3; minus strand). Cytogenetic location: Xp22.12.
Variant type: single nucleotide variant.
Coding change: c.1606G>T on transcript NM_004586.3 (MANE Select); coding-DNA position 1606, G replaced by T.
Protein change: p.Val536Phe; replaces valine 536 with phenylalanine.
Molecular consequence: missense variant.
Genome position (GRCh38, 1-based): chrX:20,165,057, C>A on the plus strand (G>T on the coding strand, the complement: RPS6KA3 is on the minus strand). VCF-style: chrX-20165057-C-A. GRCh37 (hg19) VCF-style: chrX-20183175-C-A.
Other names: short protein forms V536F.
Identifiers: ClinVar variation 391985 (VCV000391985.2), dbSNP rs1057524314, ClinGen allele CA16609163.